The following is an entry in ClinVar:

ClinVar aggregate classification (germline): Uncertain significance (1 of 4 stars; one submission).

Allele frequency attached by ClinVar (database versions not stated): gnomAD 0.00001; gnomAD exomes 0.00001.
gnomAD v4.1: 19 of 1,614,222 alleles (0.0012%); highest among the groups gnomAD compares: Non-Finnish European, 0.0015%; no homozygotes.

Submission:

GeneDx
Classification: Uncertain significance. Last evaluated: 2022-01-28. Review status: criteria provided, single submitter. Criteria: GeneDx Variant Classification Process June 2021. Collection method: clinical testing. Allele origin: germline. Affected: yes.
Comment: Has not been previously published as pathogenic or benign to our knowledge; In silico analysis supports that this missense variant has a deleterious effect on protein structure/function

NM_001375524.1(TRRAP):c.8555G>T (p.Gly2852Val)

Gene: TRRAP (transformation/transcription domain associated protein; plus strand). Cytogenetic location: 7q22.1.
Variant type: single nucleotide variant.
Coding change: c.8555G>T on transcript NM_001375524.1 (MANE Select); coding-DNA position 8555, G replaced by T.
Protein change: p.Gly2852Val; replaces glycine 2852 with valine.
Molecular consequence: missense variant.
Genome position (GRCh38, 1-based): chr7:98,978,825, G>T. VCF-style: chr7-98978825-G-T. GRCh37 (hg19) VCF-style: chr7-98576448-G-T.
Other names: c.8534G>T, p.Gly2845Val (NM_001244580.2); c.8480G>T, p.Gly2827Val (NM_003496.4); short protein forms G2827V, G2845V, G2852V.
Identifiers: ClinVar variation 1699629 (VCV001699629.2), dbSNP rs754771691, ClinGen allele CA368308467.
Genomic context (GRCh38, chr7:98,978,825, plus strand): 5'-CTAGATGCTCCAAGGAATTGAACCAGTGGGAAGCCCTGACGGAGTACGGTCAGTCCAAAG[G>T]CCACATCAACCCCTACCTCGTCCTGGAGTGCGCCTGGCGGGTGTCCAACTGGACTGCCAT-3'
Protein context (NP_001362453.1, residues 2842-2862): EALTEYGQSK[Gly2852Val]HINPYLVLEC